The following is an entry in ClinVar:

ClinVar aggregate classification (germline): no classifications from unflagged records (0 of 4 stars; one submission).

Conditions:
Familial hypertryptophanemia. Identifiers: Orphanet 2224, MedGen C2931837, MONDO:0010907, OMIM 600627.

Submission:

OMIM
Classification: Pathogenic for HYPERTRYPTOPHANEMIA (1 patient). Last evaluated: 2017-10-04. Review status: flagged submission. Collection method: literature only. Allele origin: germline.
ClinVar note: Notes: Flagging candidate with reason of insufficient supporting evidence. This gene has been classified as having a limited gene-disease relationship by a ClinGen Expert Panel.
ClinVar note: Reason: P/LP classification for a variant in a gene with insufficient evidence for a gene-disease relationship

Literature cited by the submitters: PubMed 28285122.

NM_005651.4(TDO2):c.491dup (p.Ile165fs)

Gene: TDO2 (tryptophan 2,3-dioxygenase; plus strand). Cytogenetic location: 4q32.1.
Variant type: Duplication.
Coding change: c.491dup on transcript NM_005651.4 (MANE Select); coding-DNA position 491, one base duplicated (A; older notation c.491dupA).
Protein change: p.Ile165fs; shifts the reading frame from isoleucine 165.
Molecular consequence: frameshift variant.
Genome position (GRCh38, 1-based): chr4:155,910,084, A duplicated; the last of 2 consecutive A bases (chr4:155,910,083-155,910,084); duplicating either gives the same sequence. VCF-style (leftmost placement, unchanged base first): chr4-155910082-C-CA. GRCh37 (hg19) VCF-style: chr4-156831234-C-CA.
Other names: short protein forms I165fs.
Identifiers: ClinVar variation 440854 (VCV000440854.1), dbSNP rs767123432, ClinGen allele CA3118779.